The following is an entry in ClinVar:

NC_000005.9:g.(70900296_70922466)_(70954534_?)del

Gene: MCCC2 (methylcrotonyl-CoA carboxylase subunit 2; plus strand). Cytogenetic location: 5q13.2.
Variant type: Deletion.
Identifiers: ClinVar variation 4536871 (VCV004536871.1).

ClinVar aggregate classification (germline): Pathogenic (1 of 4 stars; one submission).

Conditions:
Methylcrotonyl-CoA carboxylase deficiency. Also called: 3-MCC Deficiency; 3 Methylcrotonylglycinuria; Deficiency of methylcrotonoyl-CoA carboxylase. Identifiers: Orphanet 6, MedGen C4551505, MONDO:0018950.

Submission:

Women's Health and Genetics/Laboratory Corporation of America, LabCorp
Classification: Pathogenic for Methylcrotonyl-CoA carboxylase deficiency. Last evaluated: 2025-11-11. Review status: criteria provided, single submitter. Criteria: LabCorp Variant Classification Summary - May 2015. Collection method: clinical testing. Allele origin: germline.
Comment: Variant summary: The variant involves the deletion of exons 7-17 in the MCCC2 gene. A presumed nomenclature of c.(624+1_625-1)_(*1846_?)del has been designated for the purposes of this classification. The exact breakpoint at the distal 3' end of this variant is unknown, therefore this deletion may extend downstream of the annotated region of the gene. As it encompasses the termination codon, it is predicted to escape nonsense mediated decay (NMD). Loss-of-function variants in this gene are known to be pathogenic. The variant was absent in 21694 control chromosomes. To our knowledge, no occurrence of c.(624+1_625-1)_(*1846_?)del in individuals affected with MCCC2-related conditions and no experimental evidence demonstrating its impact on protein function have been reported. However variants contained within the deleted region have been classified as pathogenic/likely pathogenic by our laboratory, indicating the critical relevance of exons 7-17 to MCCC2 function. ClinVar contains an entry for this variant (Variation ID: 1460280). Based on the evidence outlined above, the variant was classified as pathogenic.